The following is an entry in ClinVar:

NM_001130438.3(SPTAN1):c.4343A>C (p.Gln1448Pro)

Gene: SPTAN1 (spectrin alpha, non-erythrocytic 1; plus strand). Cytogenetic location: 9q34.11.
Variant type: single nucleotide variant.
Coding change: c.4343A>C on transcript NM_001130438.3 (MANE Select); coding-DNA position 4343, A replaced by C.
Protein change: p.Gln1448Pro; replaces glutamine 1448 with proline.
Molecular consequence: missense variant.
Genome position (GRCh38, 1-based): chr9:128,608,048, A>C. VCF-style: chr9-128608048-A-C. GRCh37 (hg19) VCF-style: chr9-131370327-A-C.
Other names: c.4283A>C, p.Gln1428Pro (NM_001195532.2, NM_001363765.2, NM_001375314.2); c.4343A>C, p.Gln1448Pro (NM_001363759.2, NM_001375310.1, NM_001375311.2 and 2 more transcripts); c.4379A>C, p.Gln1460Pro (NM_001375312.2, NM_001375318.1); short protein forms Q1428P, Q1448P, Q1460P.
Identifiers: ClinVar variation 996072 (VCV000996072.3), dbSNP rs1856116625, ClinGen allele CA375066774.

ClinVar aggregate classification (germline): Pathogenic (1 of 4 stars; one submission).

Conditions:
Developmental and epileptic encephalopathy, 5 (DEE5). Identifiers: Orphanet 3451, MedGen C3150731, MONDO:0013277, OMIM 613477.

Submission:

Greenwood Genetic Center Diagnostic Laboratories, Greenwood Genetic Center
Classification: Pathogenic for Developmental and epileptic encephalopathy, 5. Last evaluated: 2020-07-01. Review status: criteria provided, single submitter. Criteria: ACMG Guidelines, 2015. Collection method: clinical testing. Allele origin: de novo. Inheritance: Autosomal dominant inheritance. Affected: yes.
Comment: PS2, PS3_moderate, PM2, PP2, PP3